The following is an entry in ClinVar:

NM_000550.3(TYRP1):c.239C>T (p.Pro80Leu)

Gene: TYRP1 (tyrosinase related protein 1; plus strand). Cytogenetic location: 9p23.
Variant type: single nucleotide variant.
Coding change: c.239C>T on transcript NM_000550.3 (MANE Select); coding-DNA position 239, C replaced by T.
Protein change: p.Pro80Leu; replaces proline 80 with leucine.
Molecular consequence: missense variant.
Genome position (GRCh38, 1-based): chr9:12,694,235, C>T. VCF-style: chr9-12694235-C-T. GRCh37 (hg19) VCF-style: chr9-12694235-C-T.
Other names: short protein forms P80L.
Identifiers: ClinVar variation 2101708 (VCV002101708.4), dbSNP rs755983560, ClinGen allele CA372936614.
Genomic context (GRCh38, chr9:12,694,235, plus strand): 5'-CAGGGAGGGGCAGATGTGAGGCAGTGACTGCAGACTCCCGGCCCCACAGCCCTCAGTATC[C>T]CCATGATGGCAGAGATGATCGGGAGGTCTGGCCCTTGCGCTTCTTCAATAGGACATGTCA-3'
Protein context (NP_000541.1, residues 70-90): ADSRPHSPQY[Pro80Leu]HDGRDDREVW

ClinVar aggregate classification (germline): Uncertain significance (1 of 4 stars; one submission).

Allele frequency attached by ClinVar (database versions not stated): gnomAD exomes below 0.00001; TOPMed below 0.00001; gnomAD 0.00001.
gnomAD v4.1: 2 of 1,613,638 alleles (0.00012%); highest among the groups gnomAD compares: African/African-American, 0.0013%; no homozygotes.

Submission:

Labcorp Genetics (formerly Invitae), Labcorp
Classification: Uncertain significance. Last evaluated: 2022-08-23. Review status: criteria provided, single submitter. Criteria: Invitae Variant Classification Sherloc (09022015). Collection method: clinical testing. Allele origin: germline.
Comment: In summary, the available evidence is currently insufficient to determine the role of this variant in disease. Therefore, it has been classified as a Variant of Uncertain Significance. Algorithms developed to predict the effect of missense changes on protein structure and function (SIFT, PolyPhen-2, Align-GVGD) all suggest that this variant is likely to be tolerated. This variant has not been reported in the literature in individuals affected with TYRP1-related conditions. This variant is not present in population databases (gnomAD no frequency). This sequence change replaces proline, which is neutral and non-polar, with leucine, which is neutral and non-polar, at codon 80 of the TYRP1 protein (p.Pro80Leu).